The following is an entry in ClinVar:

NM_022458.4(LMBR1):c.423+3747A>G

Genes: LMBR1 (limb development membrane protein 1; minus strand), ZRS (ZPA regulatory sequence; plus strand). Cytogenetic location: 7q36.3.
Variant type: single nucleotide variant.
Coding change: c.423+3747A>G on transcript NM_022458.4 (MANE Select); 3747 bases into the intron after coding-DNA position 423, A replaced by G.
Molecular consequence: intron variant.
Genome position (GRCh38, 1-based): chr7:156,792,642, T>C on the plus strand (A>G on the coding strand, the complement: LMBR1 is on the minus strand). VCF-style: chr7-156792642-T-C. GRCh37 (hg19) VCF-style: chr7-156585336-T-C.
Other names: c.360+3747A>G (NM_001363412.2); c.144+3747A>G (NM_001350954.2); c.423+3747A>G (NM_001363410.2, NM_001363409.2, NM_001350953.2); c.-112+3747A>G (NM_001350958.2, NM_001350956.2, NM_001350955.2 and 1 more transcripts); c.54+3747A>G (NM_001350957.2, NM_001363411.2).
Identifiers: ClinVar variation 1359147 (VCV001359147.8), dbSNP rs888764328, ClinGen allele CA169823595.
Genomic context (GRCh38, chr7:156,792,642, plus strand): 5'-ACACACCGCTGCCACGGTAAGAAGAGAGAAGCAAAGCTATTGAAGGCCCTTAAAAGGACA[T>C]AGTCAACCCCCCAGGCCTAATATGTCCTGTTTGAATTAACATAGTGGTTTAATTAAAAAC-3'

ClinVar aggregate classification (germline): Uncertain significance (1 of 4 stars; one submission).

Allele frequency attached by ClinVar (database versions not stated): gnomAD 0.00036 and 0.00037; TOPMed 0.00037.
gnomAD v4.1: 53 of 152,224 alleles (0.035%); highest among the groups gnomAD compares: Middle Eastern, 0.32%; no homozygotes.

Submission:

Labcorp Genetics (formerly Invitae), Labcorp
Classification: Uncertain significance. Last evaluated: 2025-11-18. Review status: criteria provided, single submitter. Criteria: Invitae Variant Classification Sherloc (09022015). Collection method: clinical testing. Allele origin: germline.
Comment: This sequence change falls in intron 5 of the LMBR1 gene. It does not directly change the encoded amino acid sequence of the LMBR1 protein. This variant is present in population databases (no rsID available, gnomAD 0.7%). This variant has been observed in individual(s) with preaxial polydactyly (PMID: 28127823). This variant is also known as chr7:156585336A>G (in the preZRS region). ClinVar contains an entry for this variant (Variation ID: 1359147). Algorithms developed to predict the effect of sequence changes on RNA splicing suggest that this variant is not likely to affect RNA splicing. In summary, the available evidence is currently insufficient to determine the role of this variant in disease. Therefore, it has been classified as a Variant of Uncertain Significance.

Literature cited by the submitters: PubMed 28127823.